The following is an entry in ClinVar:

NM_144670.6(A2ML1):c.918T>A (p.Tyr306Ter)

Gene: A2ML1 (alpha-2-macroglobulin like 1; plus strand). Cytogenetic location: 12p13.31.
Variant type: single nucleotide variant.
Coding change: c.918T>A on transcript NM_144670.6 (MANE Select); coding-DNA position 918, T replaced by A.
Protein change: p.Tyr306Ter; replaces tyrosine 306 with a stop codon.
Molecular consequence: nonsense.
Genome position (GRCh38, 1-based): chr12:8,838,398, T>A. VCF-style: chr12-8838398-T-A. GRCh37 (hg19) VCF-style: chr12-8990994-T-A.
Other names: short protein forms Y306*.
Identifiers: ClinVar variation 1419327 (VCV001419327.6), dbSNP rs2136782038, ClinGen allele CA383823399.

ClinVar aggregate classification (germline): Uncertain significance (1 of 4 stars; one submission).

Submission:

Labcorp Genetics (formerly Invitae), Labcorp
Classification: Uncertain significance. Last evaluated: 2024-06-17. Review status: criteria provided, single submitter. Criteria: Invitae Variant Classification Sherloc (09022015). Collection method: clinical testing. Allele origin: germline.
Comment: This sequence change creates a premature translational stop signal (p.Tyr306*) in the A2ML1 gene. It is expected to result in an absent or disrupted protein product. However, the current clinical and genetic evidence is not sufficient to establish whether loss-of-function variants in A2ML1 cause disease. This variant is not present in population databases (gnomAD no frequency). This variant has not been reported in the literature in individuals affected with A2ML1-related conditions. ClinVar contains an entry for this variant (Variation ID: 1419327). In summary, the available evidence is currently insufficient to determine the role of this variant in disease. Therefore, it has been classified as a Variant of Uncertain Significance.